The following is an entry in ClinVar:

NM_004820.5(CYP7B1):c.216A>C (p.Thr72=)

Gene: CYP7B1 (cytochrome P450 family 7 subfamily B member 1; minus strand). Cytogenetic location: 8q12.3.
Variant type: single nucleotide variant.
Coding change: c.216A>C on transcript NM_004820.5 (MANE Select); coding-DNA position 216, A replaced by C.
Protein change: p.Thr72=; no amino-acid change (threonine 72 retained).
Molecular consequence: synonymous variant.
Genome position (GRCh38, 1-based): chr8:64,624,446, T>G on the plus strand (A>C on the coding strand, the complement: CYP7B1 is on the minus strand). VCF-style: chr8-64624446-T-G. GRCh37 (hg19) VCF-style: chr8-65537003-T-G.
Other names: c.216A>C, p.Thr72= (NM_001324112.2).
Identifiers: ClinVar variation 4993510 (VCV004993510.1).
Genomic context (GRCh38, chr8:64,624,446, plus strand): 5'-ATAGAAGTGCTTCTTACCACCAAGAAGAACTGTGAAAGTGTCACCATGTTGCTTTTGAAG[T>G]GTTTTCATGAACCTTAAGGGGTCTTTTCGTAAGTTCAGGACCACTCCAAGATAAGGAAGC-3'
Protein context (NP_004811.1, residues 62-82): LRKDPLRFMK[Thr72=]LQKQHGDTFT

ClinVar aggregate classification (germline): Likely benign (1 of 4 stars; one submission).

Conditions:
CYP7B1-related disorder. Also called: CYP7B1-related condition.

gnomAD v4.1: 1 of 1,613,564 alleles (0.000062%); highest among the groups gnomAD compares: Non-Finnish European, 0.000085%; no homozygotes.

Submission:

PreventionGenetics, part of Exact Sciences
Classification: Likely benign for CYP7B1-related condition. Last evaluated: 2025-08-15. Review status: criteria provided, single submitter. Criteria: ACMG Guidelines, 2015. Collection method: clinical testing. Allele origin: germline.
Comment: This variant is classified as likely benign based on ACMG/AMP sequence variant interpretation guidelines (Richards et al. 2015 PMID: 25741868, with internal and published modifications).